The following is an entry in ClinVar:

ClinVar aggregate classification (germline): Benign/Likely benign. Review status: criteria provided, multiple submitters, no conflicts (2 of 4 stars). 2 submissions from 2 submitters: Benign (1); Likely benign (1). Last evaluated 2025-04-09.

Conditions:
Tuberous sclerosis 1 (TSC1). Identifiers: Orphanet 805, MedGen C1854465, MONDO:0008612, OMIM 191100.

Submissions (2):

Myriad Genetics, Inc.
Classification: Benign for Tuberous sclerosis 1. Last evaluated: 2025-04-09. Review status: criteria provided, single submitter. Criteria: Myriad Autosomal Dominant, Autosomal Recessive and X-Linked Classification Criteria (2023). Collection method: clinical testing. Allele origin: unknown.
Comment: This variant is considered benign. This variant is a silent/synonymous amino acid change and it is not expected to impact splicing.

Labcorp Genetics (formerly Invitae), Labcorp
Classification: Likely benign for Tuberous sclerosis 1. Last evaluated: 2021-10-06. Review status: criteria provided, single submitter. Criteria: Invitae Variant Classification Sherloc (09022015). Collection method: clinical testing. Allele origin: germline.

NM_000368.5(TSC1):c.1179C>T (p.Thr393=)

Gene: TSC1 (TSC complex subunit 1; minus strand). Cytogenetic location: 9q34.13.
Variant type: single nucleotide variant.
Coding change: c.1179C>T on transcript NM_000368.5 (MANE Select); coding-DNA position 1179, C replaced by T.
Protein change: p.Thr393=; no amino-acid change (threonine 393 retained).
Molecular consequence: synonymous variant.
Genome position (GRCh38, 1-based): chr9:132,910,655, G>A on the plus strand (C>T on the coding strand, the complement: TSC1 is on the minus strand). VCF-style: chr9-132910655-G-A. GRCh37 (hg19) VCF-style: chr9-135786042-G-A.
Other names: c.1176C>T, p.Thr392= (NM_001162426.2); c.1026C>T, p.Thr342= (NM_001162427.2); c.816C>T, p.Thr272= (NM_001362177.2).
Identifiers: ClinVar variation 1660815 (VCV001660815.9), dbSNP rs2131944935, ClinGen allele CA467593262.